The following is an entry in ClinVar:

ClinVar aggregate classification (germline): Likely pathogenic (1 of 4 stars; one submission).

Submission:

Labcorp Genetics (formerly Invitae), Labcorp
Classification: Likely pathogenic. Last evaluated: 2023-09-08. Review status: criteria provided, single submitter. Criteria: Invitae Variant Classification Sherloc (09022015). Collection method: clinical testing. Allele origin: germline.
Comment: In summary, the currently available evidence indicates that the variant is pathogenic, but additional data are needed to prove that conclusively. Therefore, this variant has been classified as Likely Pathogenic. This variant disrupts the p.Cys764Phe amino acid residue in ABCA4. Other variant(s) that disrupt this residue have been determined to be pathogenic (PMID: 10958763, 28118664, 33546218). This suggests that this residue is clinically significant, and that variants that disrupt this residue are likely to be disease-causing. Advanced modeling of protein sequence and biophysical properties (such as structural, functional, and spatial information, amino acid conservation, physicochemical variation, residue mobility, and thermodynamic stability) performed at Invitae indicates that this missense variant is expected to disrupt ABCA4 protein function. This variant has not been reported in the literature in individuals affected with ABCA4-related conditions. This variant is not present in population databases (gnomAD no frequency). This sequence change replaces cysteine, which is neutral and slightly polar, with phenylalanine, which is neutral and non-polar, at codon 764 of the ABCA4 protein (p.Cys764Phe).

Literature cited by the submitters: PubMed 10958763; PubMed 28118664; PubMed 33546218.

NM_000350.3(ABCA4):c.2291G>T (p.Cys764Phe)

Gene: ABCA4 (ATP binding cassette subfamily A member 4; minus strand). Cytogenetic location: 1p22.1.
Variant type: single nucleotide variant.
Coding change: c.2291G>T on transcript NM_000350.3 (MANE Select); coding-DNA position 2291, G replaced by T.
Protein change: p.Cys764Phe; replaces cysteine 764 with phenylalanine.
Molecular consequence: missense variant.
Genome position (GRCh38, 1-based): chr1:94,056,692, C>A on the plus strand (G>T on the coding strand, the complement: ABCA4 is on the minus strand). VCF-style: chr1-94056692-C-A. GRCh37 (hg19) VCF-style: chr1-94522248-C-A.
Other names: short protein forms C764F.
Identifiers: ClinVar variation 3006375 (VCV003006375.3), dbSNP rs61749428, ClinGen allele CA341277839.